The following is an entry in ClinVar:

NM_002692.4(POLE2):c.349C>A (p.Pro117Thr)

Gene: POLE2 (DNA polymerase epsilon 2, accessory subunit; minus strand). Cytogenetic location: 14q21.3.
Variant type: single nucleotide variant.
Coding change: c.349C>A on transcript NM_002692.4 (MANE Select); coding-DNA position 349, C replaced by A.
Protein change: p.Pro117Thr; replaces proline 117 with threonine.
Molecular consequence: missense variant.
Genome position (GRCh38, 1-based): chr14:49,674,191, G>T on the plus strand (C>A on the coding strand, the complement: POLE2 is on the minus strand). VCF-style: chr14-49674191-G-T. GRCh37 (hg19) VCF-style: chr14-50140909-G-T.
Other names: c.271C>A, p.Pro91Thr (NM_001197330.2); c.349C>A, p.Pro117Thr (NM_001197331.3, NM_001348384.2); c.118C>A, p.Pro40Thr (NM_001348385.2); short protein forms P91T, P117T, P40T.
Identifiers: ClinVar variation 1362012 (VCV001362012.6), dbSNP rs766688419, ClinGen allele CA7173649.

ClinVar aggregate classification (germline): Uncertain significance (1 of 4 stars; one submission).

Allele frequency attached by ClinVar (database versions not stated): ExAC 0.00001; gnomAD 0.00001; TOPMed 0.00002.
gnomAD v4.1: 4 of 1,612,522 alleles (0.00025%); highest among the groups gnomAD compares: East Asian, 0.0089%; no homozygotes.

Submission:

Labcorp Genetics (formerly Invitae), Labcorp
Classification: Uncertain significance. Last evaluated: 2023-08-28. Review status: criteria provided, single submitter. Criteria: Invitae Variant Classification Sherloc (09022015). Collection method: clinical testing. Allele origin: germline.
Comment: In summary, the available evidence is currently insufficient to determine the role of this variant in disease. Therefore, it has been classified as a Variant of Uncertain Significance. An algorithm developed to predict the effect of missense changes on protein structure and function (PolyPhen-2) suggests that this variant is likely to be tolerated. ClinVar contains an entry for this variant (Variation ID: 1362012). This variant has not been reported in the literature in individuals affected with POLE2-related conditions. This variant is present in population databases (rs766688419, gnomAD 0.02%). This sequence change replaces proline, which is neutral and non-polar, with threonine, which is neutral and polar, at codon 117 of the POLE2 protein (p.Pro117Thr).